The following is an entry in ClinVar:

ClinVar aggregate classification (germline): Pathogenic (1 of 4 stars; one submission).

Conditions:
CHARGE syndrome (CHARGE). Also called: Coloboma, heart anomaly, choanal atresia, retardation, genital and ear anomalies; CHARGE association; Hall-Hittner syndrome; CHARGE ASSOCIATION--COLOBOMA, HEART ANOMALY, CHOANAL ATRESIA, RETARDATION, GENITAL AND EAR ANOMALIES; Hittner Hirsch Kreh syndrome. Identifiers: Orphanet 138, MedGen C0265354, MONDO:0008965.

Submission:

Labcorp Genetics (formerly Invitae), Labcorp
Classification: Pathogenic for CHARGE syndrome. Last evaluated: 2015-03-04. Review status: criteria provided, single submitter. Criteria: Invitae Variant Classification Sherloc (09022015). Collection method: clinical testing. Allele origin: germline.
Comment: For these reasons, this variant has been classified as Pathogenic. While this particular variant has not been reported in the literature, truncating variants in CHD7 are known to be pathogenic (PMID: 22461308). This sequence change deletes 1 nucleotide from exon 2 of the CHD7 mRNA (c.1504delC), causing a frameshift at codon 502. This creates a premature translational stop signal (p.Pro502Leufs*62) and is expected to result in an absent or disrupted protein product.

Literature cited by the submitters: PubMed 22461308.

NM_017780.4(CHD7):c.1505del (p.Pro502fs)

Gene: CHD7 (chromodomain helicase DNA binding protein 7; plus strand). Cytogenetic location: 8q12.2.
Variant type: Deletion.
Coding change: c.1505del on transcript NM_017780.4 (MANE Select); coding-DNA position 1505, one base deleted (C; older notation c.1505delC).
Protein change: p.Pro502fs; shifts the reading frame from proline 502.
Molecular consequence: frameshift variant.
Genome position (GRCh38, 1-based): chr8:60,742,937, C deleted; the last of 2 consecutive C bases (chr8:60,742,936-60,742,937); deleting either gives the same sequence. VCF-style (leftmost placement, unchanged base first): chr8-60742935-TC-T. GRCh37 (hg19) VCF-style: chr8-61655494-TC-T.
Other names: c.1505del, p.Pro502fs (NM_001316690.1); short protein forms P502fs.
Identifiers: ClinVar variation 216115 (VCV000216115.8), dbSNP rs863224517, ClinGen allele CA338722.